The following is an entry in ClinVar:

ClinVar aggregate classification (germline): Uncertain significance. Review status: criteria provided, multiple submitters, no conflicts (2 of 4 stars). 3 submissions from 3 submitters: Uncertain significance (3). Last evaluated 2024-10-15.

Conditions:
Joubert syndrome 17 (JBTS17). Identifiers: Orphanet 475, MedGen C3553264, MONDO:0013824, OMIM 614615.
Orofaciodigital syndrome type 6 (OFD6). Also called: POLYDACTYLY, CLEFT LIP/PALATE OR LINGUAL LUMP, AND PSYCHOMOTOR RETARDATION; VARADI SYNDROME; VARADI-PAPP SYNDROME; Oral-facial-digital syndrome type 6; Central polydactyly cleft lip/palate or lingual lump and psychomotor retardation; Y-shaped central metacarpal and cerebellar defect. Identifiers: Orphanet 2754, MedGen C2745997, MONDO:0010176, OMIM 277170.

Allele frequency attached by ClinVar (database versions not stated): ExAC 0.00001; gnomAD 0.00001; gnomAD exomes 0.00001; TOPMed 0.00001.
gnomAD v4.1: 8 of 1,606,984 alleles (0.0005%); highest among the groups gnomAD compares: Non-Finnish European, 0.00068%; no homozygotes.

Submissions (3):

Labcorp Genetics (formerly Invitae), Labcorp
Classification: Uncertain significance. Last evaluated: 2024-10-15. Review status: criteria provided, single submitter. Criteria: Invitae Variant Classification Sherloc (09022015). Collection method: clinical testing. Allele origin: germline.
Comment: This sequence change replaces leucine, which is neutral and non-polar, with proline, which is neutral and non-polar, at codon 1737 of the CPLANE1 protein (p.Leu1737Pro). This variant is present in population databases (rs781211084, gnomAD 0.002%). This variant has not been reported in the literature in individuals affected with CPLANE1-related conditions. ClinVar contains an entry for this variant (Variation ID: 907868). Invitae Evidence Modeling of protein sequence and biophysical properties (such as structural, functional, and spatial information, amino acid conservation, physicochemical variation, residue mobility, and thermodynamic stability) has been performed for this missense variant. However, the output from this modeling did not meet the statistical confidence thresholds required to predict the impact of this variant on CPLANE1 protein function. In summary, the available evidence is currently insufficient to determine the role of this variant in disease. Therefore, it has been classified as a Variant of Uncertain Significance.

Fulgent Genetics
Classification: Uncertain significance for Orofaciodigital syndrome type 6; Joubert syndrome 17. Last evaluated: 2022-04-07. Review status: criteria provided, single submitter. Criteria: ACMG Guidelines, 2015. Collection method: clinical testing. Allele origin: unknown.

Illumina Laboratory Services, Illumina
Classification: Uncertain significance for Joubert syndrome 17. Last evaluated: 2018-01-12. Review status: criteria provided, single submitter. Criteria: ICSL Variant Classification Criteria 13 December 2019. Collection method: clinical testing. Allele origin: germline.

NM_001384732.1(CPLANE1):c.5210T>C (p.Leu1737Pro)

Gene: CPLANE1 (ciliogenesis and planar polarity effector complex subunit 1; minus strand). Cytogenetic location: 5p13.2.
Variant type: single nucleotide variant.
Coding change: c.5210T>C on transcript NM_001384732.1 (MANE Select); coding-DNA position 5210, T replaced by C.
Protein change: p.Leu1737Pro; replaces leucine 1737 with proline.
Molecular consequence: missense variant.
Genome position (GRCh38, 1-based): chr5:37,182,971, A>G on the plus strand (T>C on the coding strand, the complement: CPLANE1 is on the minus strand). VCF-style: chr5-37182971-A-G. GRCh37 (hg19) VCF-style: chr5-37183073-A-G.
Other names: c.5210T>C, p.Leu1737Pro (NM_023073.4); short protein forms L1737P.
Identifiers: ClinVar variation 907868 (VCV000907868.9), dbSNP rs781211084, ClinGen allele CA3238590.